The following is an entry in ClinVar:

ClinVar aggregate classification (germline): Likely pathogenic (1 of 4 stars; one submission).

Conditions:
Short stature with nonspecific skeletal abnormalities 1 (SNSK1). Identifiers: MedGen CN379227, MONDO:0014551, OMIM 616255.

Submission:

3billion
Classification: Likely pathogenic for Short stature with nonspecific skeletal abnormalities 1. Last evaluated: 2025-08-05. Review status: criteria provided, single submitter. Criteria: ACMG Guidelines, 2015. Collection method: clinical testing. Allele origin: germline. Affected: yes.
Comment: The variant is not observed in the gnomAD v4.1.0 dataset. Predicted Consequence/Location: Frameshift: predicted to result in a loss or disruption of normal protein function through nonsense-mediated decay (NMD) or protein truncation. Multiple pathogenic variants are reported downstream of the variant. Therefore, this variant is classified as Likely pathogenic according to the recommendation of ACMG/AMP guideline.

NM_003995.4(NPR2):c.1404_1419del (p.Met469fs)

Gene: NPR2 (natriuretic peptide receptor 2; plus strand). Cytogenetic location: 9p13.3.
Variant type: Deletion.
Coding change: c.1404_1419del on transcript NM_003995.4 (MANE Select); coding-DNA positions 1404 to 1419, 16 bases deleted (CATGTTTGGTGTTTCC).
Protein change: p.Met469fs; shifts the reading frame from methionine 469.
Molecular consequence: frameshift variant.
Genome position (GRCh38, 1-based): chr9:35,801,122-35,801,137, CATGTTTGGTGTTTCC deleted. VCF-style (leftmost placement, unchanged base first): chr9-35801121-TCATGTTTGGTGTTTCC-T. GRCh37 (hg19) VCF-style: chr9-35801118-TCATGTTTGGTGTTTCC-T.
Other names: c.1404_1419del, p.Met469fs (NM_001378923.1); short protein forms M469fs.
Identifiers: ClinVar variation 4855013 (VCV004855013.1).